The following is an entry in ClinVar:

NM_020831.6(MRTFA):c.1703A>G (p.Glu568Gly)

Gene: MRTFA (myocardin related transcription factor A; minus strand). Cytogenetic location: 22q13.1.
Variant type: single nucleotide variant.
Coding change: c.1703A>G on transcript NM_020831.6 (MANE Select); coding-DNA position 1703, A replaced by G.
Protein change: p.Glu568Gly; replaces glutamic acid 568 with glycine.
Molecular consequence: missense variant.
Genome position (GRCh38, 1-based): chr22:40,419,035, T>C on the plus strand (A>G on the coding strand, the complement: MRTFA is on the minus strand). VCF-style: chr22-40419035-T-C. GRCh37 (hg19) VCF-style: chr22-40815039-T-C.
Other names: c.1403A>G (NM_020831.4, NM_020831.3); c.1403A>G, p.Glu468Gly (NM_001282660.2); c.1553A>G, p.Glu518Gly (NM_001282661.3); c.1703A>G, p.Glu568Gly (NM_001282662.3); c.1508A>G, p.Glu503Gly (NM_001318139.2); short protein forms E468G, E503G, E518G, E568G.
Identifiers: ClinVar variation 1168631 (VCV001168631.13), dbSNP rs556423980, ClinGen allele CA10249582.

ClinVar aggregate classification (germline): Conflicting classifications of pathogenicity. Review status: criteria provided, conflicting classifications (1 of 4 stars). 5 submissions from 5 submitters: Uncertain significance (2); Benign (2); Likely benign (1). Last evaluated 2026-01-30.

Conditions:
MRTFA-related disorder. Also called: MRTFA-related condition.

Allele frequency attached by ClinVar (database versions not stated): gnomAD 0.00004 and 0.00021; gnomAD exomes 0.00081; ExAC 0.00102; 1000 Genomes Project 0.00160.
gnomAD v4.1: 665 of 1,612,340 alleles (0.041%); highest among the groups gnomAD compares: South Asian, 0.65%; 7 homozygotes.

Submissions (5):

PreventionGenetics, part of Exact Sciences
Classification: Likely benign for MRTFA-related condition. Last evaluated: 2026-01-30. Review status: criteria provided, single submitter. Criteria: ACMG Guidelines, 2015. Collection method: clinical testing. Allele origin: germline.
Comment: This variant is classified as likely benign based on ACMG/AMP sequence variant interpretation guidelines (Richards et al. 2015 PMID: 25741868, with internal and published modifications).

Labcorp Genetics (formerly Invitae), Labcorp
Classification: Benign. Last evaluated: 2025-12-23. Review status: criteria provided, single submitter. Criteria: Invitae Variant Classification Sherloc (09022015). Collection method: clinical testing. Allele origin: germline.

Ambry Genetics
Classification: Uncertain significance. Last evaluated: 2025-10-02. Review status: criteria provided, single submitter. Criteria: Ambry Variant Classification Scheme 2023. Collection method: clinical testing. Allele origin: germline.

Blueprint Genetics
Classification: Uncertain significance. Last evaluated: 2024-08-13. Review status: criteria provided, single submitter. Criteria: ACMG Guidelines, 2015. Collection method: clinical testing. Allele origin: germline.

Breakthrough Genomics
Classification: Benign. Review status: criteria provided, single submitter. Criteria: ACMG Guidelines, 2015. Collection method: not provided. Allele origin: germline. Inheritance: Autosomal recessive inheritance. Affected: yes.